The following is an entry in ClinVar:

ClinVar aggregate classification (germline): Likely benign (1 of 4 stars; one submission).

Submission:

CeGaT Center for Human Genetics Tuebingen
Classification: Likely benign. Last evaluated: 2025-11-01. Review status: criteria provided, single submitter. Criteria: CeGaT Center For Human Genetics Tuebingen Variant Classification Criteria Version 2. Collection method: clinical testing. Allele origin: germline. Affected: yes. Observed: 1 variant allele.
Comment: KRT17: BP4, BP7

NM_000422.3(KRT17):c.1161G>A (p.Leu387=)

Gene: KRT17 (keratin 17; minus strand). Cytogenetic location: 17q21.2.
Variant type: single nucleotide variant.
Coding change: c.1161G>A on transcript NM_000422.3 (MANE Select); coding-DNA position 1161, G replaced by A.
Protein change: p.Leu387=; no amino-acid change (leucine 387 retained).
Molecular consequence: synonymous variant.
Genome position (GRCh38, 1-based): chr17:41,620,679, C>T on the plus strand (G>A on the coding strand, the complement: KRT17 is on the minus strand). VCF-style: chr17-41620679-C-T. GRCh37 (hg19) VCF-style: chr17-39776931-C-T.
Identifiers: ClinVar variation 4534619 (VCV004534619.6).